The following is an entry in ClinVar:

NM_001378030.1(CCDC78):c.898_900del (p.His300del)

Gene: CCDC78 (coiled-coil domain containing 78; minus strand). Cytogenetic location: 16p13.3.
Variant type: Deletion.
Coding change: c.898_900del on transcript NM_001378030.1 (MANE Select); coding-DNA positions 898 to 900, 3 bases deleted (CAC; older notation c.898_900delCAC).
Protein change: p.His300del; deletes histidine 300.
Molecular consequence: inframe deletion. On other transcripts: non-coding transcript variant (5).
Genome position (GRCh38, 1-based): chr16:724,375-724,377, GTG deleted on the plus strand (CAC on the coding strand, the reverse complement: CCDC78 is on the minus strand); deleting any 3 consecutive bases within chr16:724,375-724,379 gives the same sequence; the c. name uses the placement nearest the transcript's 3' end. VCF-style (leftmost placement, unchanged base first): chr16-724374-TGTG-T. GRCh37 (hg19) VCF-style: chr16-774374-TGTG-T.
Other names: c.898_900del, p.His300del (NM_001031737.3, NM_001378031.1); c.331_333del, p.His111del (NM_001378033.1); short protein forms H300del, H111del.
Identifiers: ClinVar variation 582138 (VCV000582138.1), dbSNP rs771582682, ClinGen allele CA7789356.

ClinVar aggregate classification (germline): Uncertain significance (1 of 4 stars; one submission).

Conditions:
Congenital myopathy with internal nuclei and atypical cores. Also called: Myopathy, centronuclear, 4. Identifiers: Orphanet 319160, MedGen C4707232, MONDO:0013890, OMIM 614807.

Submission:

Labcorp Genetics (formerly Invitae), Labcorp
Classification: Uncertain significance for Myopathy, centronuclear, 4. Last evaluated: 2018-03-22. Review status: criteria provided, single submitter. Criteria: Invitae Variant Classification Sherloc (09022015). Collection method: clinical testing. Allele origin: germline.
Comment: This variant, c.898_900delCAC, results in the deletion of 1 amino acid of the CCDC78 protein (p.His300del), but otherwise preserves the integrity of the reading frame. This variant is present in population databases (rs771582682, ExAC 0.02%). This variant has not been reported in the literature in individuals with CCDC78-related disease. Experimental studies and prediction algorithms are not available for this variant, and the functional significance of the deleted amino acid is currently unknown. In summary, the available evidence is currently insufficient to determine the role of this variant in disease. Therefore, it has been classified as a Variant of Uncertain Significance.